The following is an entry in ClinVar:

NM_012282.4(KCNE5):c.193C>T (p.Leu65Phe)

Gene: KCNE5 (potassium voltage-gated channel subfamily E regulatory subunit 5; minus strand). Cytogenetic location: Xq23.
Variant type: single nucleotide variant.
Coding change: c.193C>T on transcript NM_012282.4 (MANE Select); coding-DNA position 193, C replaced by T.
Protein change: p.Leu65Phe; replaces leucine 65 with phenylalanine.
Molecular consequence: missense variant.
Genome position (GRCh38, 1-based): chrX:109,624,828, G>A on the plus strand (C>T on the coding strand, the complement: KCNE5 is on the minus strand). VCF-style: chrX-109624828-G-A. GRCh37 (hg19) VCF-style: chrX-108868057-G-A.
Other names: short protein forms L65F.
Identifiers: ClinVar variation 2737355 (VCV002737355.3), dbSNP rs1364685385, ClinGen allele CA414213744.

ClinVar aggregate classification (germline): Uncertain significance (1 of 4 stars; one submission).

Conditions:
Brugada syndrome. Also called: Sudden unexplained nocturnal death syndrome; Sudden Unexplained Death Syndrome; Sudden Unexplained Nocturnal Death Syndrome (SUNDS); Sudden unexpected nocturnal death syndrome. Identifiers: Orphanet 130, MedGen C1142166, MONDO:0015263.

Allele frequency attached by ClinVar (database versions not stated): gnomAD 0.00001; TOPMed 0.00001.
gnomAD v4.1: 1 of 1,211,445 alleles (0.000083%); highest among the groups gnomAD compares: Non-Finnish European, 0.00011%; no homozygotes.

Submission:

Labcorp Genetics (formerly Invitae), Labcorp
Classification: Uncertain significance for Brugada syndrome. Last evaluated: 2022-10-30. Review status: criteria provided, single submitter. Criteria: Invitae Variant Classification Sherloc (09022015). Collection method: clinical testing. Allele origin: germline.
Comment: In summary, the available evidence is currently insufficient to determine the role of this variant in disease. Therefore, it has been classified as a Variant of Uncertain Significance. Experimental studies are conflicting or provide insufficient evidence to determine the effect of this variant on KCNE5 function (PMID: 18313602). Algorithms developed to predict the effect of missense changes on protein structure and function output the following: SIFT: "Deleterious"; PolyPhen-2: "Benign"; Align-GVGD: "Class C15". The phenylalanine amino acid residue is found in multiple mammalian species, which suggests that this missense change does not adversely affect protein function. This missense change has been observed in individual(s) with atrial fibrillation (PMID: 18313602). This variant is present in population databases (no rsID available, gnomAD 0.01%). This sequence change replaces leucine, which is neutral and non-polar, with phenylalanine, which is neutral and non-polar, at codon 65 of the KCNE5 protein (p.Leu65Phe).

Literature cited by the submitters: PubMed 18313602.